The following is an entry in ClinVar:

NM_000059.4(BRCA2):c.3793T>A (p.Cys1265Ser)

Gene: BRCA2 (BRCA2 DNA repair associated; plus strand). Cytogenetic location: 13q13.1.
Variant type: single nucleotide variant.
Coding change: c.3793T>A on transcript NM_000059.4 (MANE Select); coding-DNA position 3793, T replaced by A.
Protein change: p.Cys1265Ser; replaces cysteine 1265 with serine.
Molecular consequence: missense variant.
Genome position (GRCh38, 1-based): chr13:32,338,148, T>A. VCF-style: chr13-32338148-T-A. GRCh37 (hg19) VCF-style: chr13-32912285-T-A.
Other names: 4021T>A; short protein forms C1265S.
Identifiers: ClinVar variation 209217 (VCV000209217.7), dbSNP rs797044976, ClinGen allele CA276189.

ClinVar aggregate classification (germline): Benign. Review status: reviewed by expert panel (3 of 4 stars). 4 submissions from 4 submitters: Benign (1). 3 of the submissions do not count toward it. Last evaluated 2015-08-10.

Conditions:
Breast-ovarian cancer, familial, susceptibility to, 2 (BROVCA2). Also called: BRCA2 Hereditary Breast and Ovarian Cancer. Identifiers: Orphanet 145, MedGen C2675520, MONDO:0012933, OMIM 612555. Disease mechanism: loss of function.
Hereditary cancer-predisposing syndrome. Also called: Neoplastic Syndromes, Hereditary; Hereditary Cancer Syndrome; Tumor predisposition; Hereditary neoplastic syndrome. Identifiers: Orphanet 140162, MedGen C0027672, MeSH D009386, MONDO:0015356.
Hereditary breast ovarian cancer syndrome. Also called: Hereditary breast and/or ovarian cancer syndrome; Hereditary breast and ovarian cancer syndrome; BRCA1- and BRCA2-Associated Hereditary Breast and Ovarian Cancer; Hereditary breast and ovarian cancer; Hereditary breast and ovarian cancer syndrome (HBOC); Breast and ovarian cancer. Identifiers: Orphanet 145, MedGen C0677776, MeSH D061325, MONDO:0003582. Disease mechanism: loss of function.

Allele frequency attached by ClinVar (database versions not stated): gnomAD exomes below 0.00001.
gnomAD v4.1: 2 of 1,600,710 alleles (0.00012%); highest among the groups gnomAD compares: Non-Finnish European, 0.00017%; no homozygotes.

Submissions (4):

Evidence-based Network for the Interpretation of Germline Mutant Alleles (ENIGMA)
Classification: Benign for Breast-ovarian cancer, familial 2. Last evaluated: 2015-08-10. Review status: reviewed by expert panel. Criteria: ENIGMA BRCA1/2 Classification Criteria (2015). Collection method: curation. Allele origin: germline.
Comment: IARC class based on posterior probability from multifactorial likelihood analysis, thresholds for class as per Plon et al. 2008 (PMID: 18951446). Class 1 based on posterior probability = 0.000881

Labcorp Genetics (formerly Invitae), Labcorp
Classification: Likely benign for Hereditary breast ovarian cancer syndrome. Last evaluated: 2024-04-16. Review status: criteria provided, single submitter. Criteria: Invitae Variant Classification Sherloc (09022015). Collection method: clinical testing. Allele origin: germline. Not counted in ClinVar's aggregate classification.

GeneDx
Classification: Likely benign. Last evaluated: 2016-12-27. Review status: criteria provided, single submitter. Criteria: GeneDx Variant Classification (06012015). Collection method: clinical testing. Allele origin: germline. Affected: yes. Not counted in ClinVar's aggregate classification.
Comment: This variant is considered likely benign or benign based on one or more of the following criteria: it is a conservative change, it occurs at a poorly conserved position in the protein, it is predicted to be benign by multiple in silico algorithms, and/or has population frequency not consistent with disease.

Ambry Genetics
Classification: Benign for Hereditary cancer-predisposing syndrome. Last evaluated: 2014-11-19. Review status: criteria provided, single submitter. Criteria: Ambry Variant Classification Scheme 2023. Collection method: clinical testing. Allele origin: germline. Not counted in ClinVar's aggregate classification.

Literature cited by the submitters: PubMed 21990134 (cited by Evidence-based Network for the Interpretation of Germline Mutant Alleles (ENIGMA)).